The following is an entry in ClinVar:

NM_002299.4(LCT):c.2658G>C (p.Lys886Asn)

Gene: LCT (lactase; minus strand). Cytogenetic location: 2q21.3.
Variant type: single nucleotide variant.
Coding change: c.2658G>C on transcript NM_002299.4 (MANE Select); coding-DNA position 2658, G replaced by C.
Protein change: p.Lys886Asn; replaces lysine 886 with asparagine.
Molecular consequence: missense variant.
Genome position (GRCh38, 1-based): chr2:135,809,689, C>G on the plus strand (G>C on the coding strand, the complement: LCT is on the minus strand). VCF-style: chr2-135809689-C-G. GRCh37 (hg19) VCF-style: chr2-136567259-C-G.
Other names: c.2658G>C (NM_002299.2); short protein forms K886N.
Identifiers: ClinVar variation 1485730 (VCV001485730.7), dbSNP rs769460318, ClinGen allele CA1888187.

ClinVar aggregate classification (germline): Uncertain significance. Review status: criteria provided, multiple submitters, no conflicts (2 of 4 stars). 2 submissions from 2 submitters: Uncertain significance (2). Last evaluated 2026-01-25.

Conditions:
Inborn genetic diseases. Identifiers: MedGen C0950123, MeSH D030342.

Allele frequency attached by ClinVar (database versions not stated): ExAC 0.00002; gnomAD exomes 0.00002.
gnomAD v4.1: 9 of 1,614,252 alleles (0.00056%); highest among the groups gnomAD compares: South Asian, 0.0099%; no homozygotes.

Submissions (2):

Labcorp Genetics (formerly Invitae), Labcorp
Classification: Uncertain significance. Last evaluated: 2026-01-25. Review status: criteria provided, single submitter. Criteria: Invitae Variant Classification Sherloc (09022015). Collection method: clinical testing. Allele origin: germline.
Comment: This sequence change replaces lysine, which is basic and polar, with asparagine, which is neutral and polar, at codon 886 of the LCT protein (p.Lys886Asn). This variant is present in population databases (rs769460318, gnomAD 0.02%). This variant has not been reported in the literature in individuals affected with LCT-related conditions. ClinVar contains an entry for this variant (Variation ID: 1485730). Invitae Evidence Modeling of protein sequence and biophysical properties (such as structural, functional, and spatial information, amino acid conservation, physicochemical variation, residue mobility, and thermodynamic stability) indicates that this missense variant is not expected to disrupt LCT protein function with a negative predictive value of 80%. In summary, the available evidence is currently insufficient to determine the role of this variant in disease. Therefore, it has been classified as a Variant of Uncertain Significance.

Ambry Genetics
Classification: Uncertain significance for Inborn genetic diseases. Last evaluated: 2025-10-29. Review status: criteria provided, single submitter. Criteria: Ambry Variant Classification Scheme 2023. Collection method: clinical testing. Allele origin: germline.